The following is an entry in ClinVar:

NM_006031.6(PCNT):c.3612G>A (p.Pro1204=)

Gene: PCNT (pericentrin; plus strand). Cytogenetic location: 21q22.3.
Variant type: single nucleotide variant.
Coding change: c.3612G>A on transcript NM_006031.6 (MANE Select); coding-DNA position 3612, G replaced by A.
Protein change: p.Pro1204=; no amino-acid change (proline 1204 retained).
Molecular consequence: synonymous variant.
Genome position (GRCh38, 1-based): chr21:46,389,203, G>A. VCF-style: chr21-46389203-G-A. GRCh37 (hg19) VCF-style: chr21-47809118-G-A.
Other names: c.3258G>A, p.Pro1086= (NM_001315529.2); c.3612G>A (NM_006031.5).
Identifiers: ClinVar variation 2697433 (VCV002697433.4), dbSNP rs768730890, ClinGen allele CA10079400.
Genomic context (GRCh38, chr21:46,389,203, plus strand): 5'-GGCCGCGGCCGGCTTGCTCACTGAGCCGCGTGTGCCGGCATCTGCTCATCTTGTAGCTCC[G>A]GCGCTGGAGGAGACATGGTCTGATGTGGCCCTCCCGGAGTTGGACAGAACTTTGTCTGAA-3'
Protein context (NP_006022.3, residues 1194-1214): AGAGLALSTA[Pro1204=]ALEETWSDVA

ClinVar aggregate classification (germline): Likely benign. Review status: criteria provided, single submitter (1 of 4 stars). 2 submissions from 2 submitters: Likely benign (1). 1 of the submissions does not count toward it. Last evaluated 2024-12-08.

Conditions:
PCNT-related disorder. Also called: PCNT-related condition.

Allele frequency attached by ClinVar (database versions not stated): gnomAD 0.00001.
gnomAD v4.1: 17 of 1,613,818 alleles (0.0011%); highest among the groups gnomAD compares: Admixed American, 0.0083%; no homozygotes.

Submissions (2):

Labcorp Genetics (formerly Invitae), Labcorp
Classification: Likely benign. Last evaluated: 2024-12-08. Review status: criteria provided, single submitter. Criteria: Invitae Variant Classification Sherloc (09022015). Collection method: clinical testing. Allele origin: germline.

PreventionGenetics, part of Exact Sciences
Classification: Likely benign for PCNT-related condition. Last evaluated: 2021-07-09. Review status: no assertion criteria provided. Collection method: clinical testing. Allele origin: germline. Not counted in ClinVar's aggregate classification.
Comment: This variant is classified as likely benign based on ACMG/AMP sequence variant interpretation guidelines (Richards et al. 2015 PMID: 25741868, with internal and published modifications).